The following is an entry in ClinVar:

NM_004937.3(CTNS):c.329G>C (p.Gly110Ala)

Genes: CTNS (cystinosin, lysosomal cystine transporter; plus strand), CTNS-AS1 (CTNS antisense RNA 1; minus strand). Cytogenetic location: 17p13.2.
Variant type: single nucleotide variant.
Coding change: c.329G>C on transcript NM_004937.3 (MANE Select); coding-DNA position 329, G replaced by C.
Protein change: p.Gly110Ala; replaces glycine 110 with alanine.
Molecular consequence: missense variant. On other transcripts: 5 prime UTR variant (4).
Genome position (GRCh38, 1-based): chr17:3,655,101, G>C. VCF-style: chr17-3655101-G-C. GRCh37 (hg19) VCF-style: chr17-3558395-G-C.
Other names: c.329G>C, p.Gly110Ala (NM_001031681.3, NM_001374492.1); c.-113G>C (NM_001374493.1, NM_001374494.1, NM_001374495.1 and 1 more transcripts); short protein forms G110A.
Identifiers: ClinVar variation 4815395 (VCV004815395.1).

ClinVar aggregate classification (germline): Likely pathogenic (1 of 4 stars; one submission).

Conditions:
Cystinosis. Also called: Cystine diathesis; Cystine storage disease; Cystinoses. Identifiers: Orphanet 213, MedGen C4316899, MONDO:0016239.

Submission:

Natera, Inc.
Classification: Likely pathogenic for Cystinosis. Last evaluated: 2025-02-14. Review status: criteria provided, single submitter. Criteria: Natera Variant Classification Schema (03/2026). Collection method: clinical testing. Allele origin: germline.
Comment: The c.329G>C variant in CTNS is a missense variant predicted to cause substitution of glycine to alanine at amino acid 110. This variant is rare in the general population with a frequency below the threshold expected for the associated phenotype(s). This variant has been observed in one or more individuals affected with the associated recessive disease, as either homozygous or compound heterozygous with a second variant (PMID: 28950840). Functional studies show that this variant may disrupt protein function (PMID: 28950840). Given the available evidence, this variant is classified as Likely Pathogenic.

Literature cited by the submitters: PubMed 28950840.